The following is an entry in ClinVar:

ClinVar aggregate classification (germline): Pathogenic (1 of 4 stars; one submission).

Submission:

Labcorp Genetics (formerly Invitae), Labcorp
Classification: Pathogenic. Last evaluated: 2023-07-21. Review status: criteria provided, single submitter. Criteria: Invitae Variant Classification Sherloc (09022015). Collection method: clinical testing. Allele origin: germline.
Comment: For these reasons, this variant has been classified as Pathogenic. ClinVar contains an entry for this variant (Variation ID: 1430743). This variant is not present in population databases (gnomAD no frequency). This variant has not been reported in the literature in individuals affected with ARSG-related conditions. This sequence change creates a premature translational stop signal (p.Trp306Valfs*6) in the ARSG gene. It is expected to result in an absent or disrupted protein product. Loss-of-function variants in ARSG are known to be pathogenic (PMID: 26975023, 34223797).

Literature cited by the submitters: PubMed 26975023; PubMed 34223797.

NM_001267727.2(ARSG):c.914dup (p.Trp306fs)

Gene: ARSG (arylsulfatase G; plus strand). Cytogenetic location: 17q24.2.
Variant type: Duplication.
Coding change: c.914dup on transcript NM_001267727.2 (MANE Select); coding-DNA position 914, one base duplicated (C; older notation c.914dupC).
Protein change: p.Trp306fs; shifts the reading frame from tryptophan 306.
Molecular consequence: frameshift variant.
Genome position (GRCh38, 1-based): chr17:68,370,456, C duplicated; the last of 3 consecutive C bases (chr17:68,370,454-68,370,456); duplicating any one gives the same sequence. VCF-style (leftmost placement, unchanged base first): chr17-68370453-G-GC. GRCh37 (hg19) VCF-style: chr17-66366594-G-GC.
Other names: c.914dup, p.Trp306fs (NM_001352899.2, NM_001352900.2, NM_001352901.2 and 3 more transcripts); c.911dup, p.Trp305fs (NM_001352903.2, NM_001352904.2, NM_001352905.2 and 2 more transcripts); c.866dup, p.Trp290fs (NM_001352909.2); short protein forms W306fs, W305fs, W290fs.
Identifiers: ClinVar variation 1430743 (VCV001430743.6), dbSNP rs1157259307, ClinGen allele CA774433093.